The following is an entry in ClinVar:

NM_005618.4(DLL1):c.1033-6G>A

Gene: DLL1 (delta like canonical Notch ligand 1; minus strand). Cytogenetic location: 6q27.
Variant type: single nucleotide variant.
Coding change: c.1033-6G>A on transcript NM_005618.4 (MANE Select); 6 bases into the intron before coding-DNA position 1033, G replaced by A.
Molecular consequence: intron variant.
Genome position (GRCh38, 1-based): chr6:170,285,141, C>T on the plus strand (G>A on the coding strand, the complement: DLL1 is on the minus strand). VCF-style: chr6-170285141-C-T. GRCh37 (hg19) VCF-style: chr6-170594229-C-T.
Identifiers: ClinVar variation 1645981 (VCV001645981.32), dbSNP rs180747193, ClinGen allele CA4106941.

ClinVar aggregate classification (germline): Likely benign. Review status: criteria provided, multiple submitters, no conflicts (2 of 4 stars). 2 submissions from 2 submitters: Likely benign (2). Last evaluated 2026-07-01.

Allele frequency attached by ClinVar (database versions not stated): 1000 Genomes Project 30x 0.00016; 1000 Genomes Project 0.00020; ESP Exome Variant Server 0.00023; ExAC 0.00055.

Submissions (2):

CeGaT Center for Human Genetics Tuebingen
Classification: Likely benign. Last evaluated: 2026-07-01. Review status: criteria provided, single submitter. Criteria: CeGaT Center For Human Genetics Tuebingen Variant Classification Criteria Version 2. Collection method: clinical testing. Allele origin: germline. Affected: yes. Observed: 2 variant alleles.
Comment: DLL1: BP4

Labcorp Genetics (formerly Invitae), Labcorp
Classification: Likely benign. Last evaluated: 2026-01-05. Review status: criteria provided, single submitter. Criteria: Invitae Variant Classification Sherloc (09022015). Collection method: clinical testing. Allele origin: germline.